The following is an entry in ClinVar:

NM_001876.4(CPT1A):c.1113_1120del (p.Glu372fs)

Gene: CPT1A (carnitine palmitoyltransferase 1A; minus strand). Cytogenetic location: 11q13.3.
Variant type: Deletion.
Coding change: c.1113_1120del on transcript NM_001876.4 (MANE Select); coding-DNA positions 1113 to 1120, 8 bases deleted (GGAGCCTC; older notation c.1113_1120delGGAGCCTC).
Protein change: p.Glu372fs; shifts the reading frame from glutamic acid 372.
Molecular consequence: frameshift variant.
Genome position (GRCh38, 1-based): chr11:68,784,858-68,784,865, GAGGCTCC deleted on the plus strand (GGAGCCTC on the coding strand, the reverse complement: CPT1A is on the minus strand); deleting any 8 consecutive bases within chr11:68,784,858-68,784,869 gives the same sequence; the c. name uses the placement nearest the transcript's 3' end. VCF-style (leftmost placement, unchanged base first): chr11-68784857-TGAGGCTCC-T. GRCh37 (hg19) VCF-style: chr11-68552325-TGAGGCTCC-T.
Other names: c.1113_1120del, p.Glu372fs (NM_001031847.3); short protein forms E372fs.
Identifiers: ClinVar variation 1726542 (VCV001726542.2), dbSNP rs2495587500, ClinGen allele CA2580084950.

ClinVar aggregate classification (germline): Likely pathogenic (1 of 4 stars; one submission).

Conditions:
Carnitine palmitoyl transferase 1A deficiency. Also called: CPT I DEFICIENCY; CPT DEFICIENCY, HEPATIC, TYPE I; Carnitine palmitoyltransferase type I deficiency; CPT deficiency, hepatic, type IA; Carnitine palmitoyltransferase 1A deficiency. Identifiers: Orphanet 156, MedGen C1829703, MONDO:0009705, OMIM 255120.

Submission:

Myriad Genetics, Inc.
Classification: Likely pathogenic for Carnitine palmitoyl transferase 1A deficiency. Last evaluated: 2021-12-18. Review status: criteria provided, single submitter. Criteria: Myriad Women's Health Autosomal Recessive and X-Linked Classification Criteria (2021). Collection method: clinical testing. Allele origin: unknown.
Comment: NM_001876.3(CPT1A):c.1113_1120del8(E372Afs*31) is expected to be pathogenic in the context of carnitine palmitoyltransferase IA deficiency. This variant is predicted to lead to an abnormal or absent protein product due to the creation of a premature termination codon in CPT1A, a gene where loss-of-function variants are known to be pathogenic. Please note: this variant was assessed in the context of healthy population screening.